The following is an entry in ClinVar:

ClinVar aggregate classification (germline): Benign/Likely benign. Review status: criteria provided, multiple submitters, no conflicts (2 of 4 stars). 3 submissions from 3 submitters: Benign (1); Likely benign (1). 1 of the submissions does not count toward it. Last evaluated 2025-06-24.

Conditions:
RGS9-related disorder. Also called: RGS9-related condition.

gnomAD v4.1: 508 of 1,604,350 alleles (0.032%); highest among the groups gnomAD compares: Non-Finnish European, 0.019%; 1 homozygote.

Submissions (3):

Labcorp Genetics (formerly Invitae), Labcorp
Classification: Benign. Last evaluated: 2025-06-24. Review status: criteria provided, single submitter. Criteria: Invitae Variant Classification Sherloc (09022015). Collection method: clinical testing. Allele origin: germline.

Blueprint Genetics
Classification: Likely benign. Last evaluated: 2024-10-23. Review status: criteria provided, single submitter. Criteria: ACMG Guidelines, 2015. Collection method: clinical testing. Allele origin: germline.

PreventionGenetics, part of Exact Sciences
Classification: Likely benign for RGS9-related condition. Last evaluated: 2023-02-08. Review status: no assertion criteria provided. Collection method: clinical testing. Allele origin: germline. Not counted in ClinVar's aggregate classification.
Comment: This variant is classified as likely benign based on ACMG/AMP sequence variant interpretation guidelines (Richards et al. 2015 PMID: 25741868, with internal and published modifications).

NM_003835.4(RGS9):c.1868G>C (p.Arg623Pro)

Gene: RGS9 (regulator of G protein signaling 9; plus strand). Cytogenetic location: 17q24.1.
Variant type: single nucleotide variant.
Coding change: c.1868G>C on transcript NM_003835.4 (MANE Select); coding-DNA position 1868, G replaced by C.
Protein change: p.Arg623Pro; replaces arginine 623 with proline.
Molecular consequence: missense variant.
Genome position (GRCh38, 1-based): chr17:65,225,462, G>C. VCF-style: chr17-65225462-G-C. GRCh37 (hg19) VCF-style: chr17-63221580-G-C.
Other names: c.1859G>C, p.Arg620Pro (NM_001081955.3); c.1868G>C (NM_003835.3); short protein forms R620P, R623P.
Identifiers: ClinVar variation 1165740 (VCV001165740.12), dbSNP rs139146881, ClinGen allele CA8718165.